The following is an entry in ClinVar:

NM_000077.5(CDKN2A):c.424C>T (p.His142Tyr)

Gene: CDKN2A (cyclin dependent kinase inhibitor 2A; minus strand). Cytogenetic location: 9p21.3.
Variant type: single nucleotide variant.
Coding change: c.424C>T on transcript NM_000077.5; coding-DNA position 424, C replaced by T.
Protein change: p.His142Tyr; replaces histidine 142 with tyrosine.
Molecular consequence: missense variant (on NM_000077.6). On other transcripts: 3 prime UTR variant (2).
Genome position (GRCh38, 1-based): chr9:21,970,935, G>A on the plus strand (C>T on the coding strand, the complement: CDKN2A is on the minus strand). VCF-style: chr9-21970935-G-A. GRCh37 (hg19) VCF-style: chr9-21970934-G-A.
Other names: c.424C>T, p.His142Tyr (NM_000077.6, NM_001195132.2); c.271C>T, p.His91Tyr (NM_001363763.2); c.*68C>T (NM_058195.4); c.*347C>T (NM_058197.5); short protein forms H142Y, H91Y.
Identifiers: ClinVar variation 824721 (VCV000824721.4), dbSNP rs1587330478, ClinGen allele CA373085865.
Genomic context (GRCh38, chr9:21,970,935, plus strand): 5'-ACAAATTCTCAGATCATCAGTCCTCACCTGAGGGACCTTCCGCGGCATCTATGCGGGCAT[G>A]GTTACTGCCTCTGGTGCCCCCCGCAGCCGCGCGCAGGTACCGTGCGACATCGCGATGGCC-3'
Protein context (NP_000068.1, residues 132-152): AAAGGTRGSN[His142Tyr]ARIDAAEGPS

ClinVar aggregate classification (germline): Uncertain significance (1 of 4 stars; one submission).

Conditions:
Hereditary cancer-predisposing syndrome. Also called: Neoplastic Syndromes, Hereditary; Tumor predisposition; Hereditary Cancer Syndrome; Hereditary neoplastic syndrome. Identifiers: Orphanet 140162, MedGen C0027672, MeSH D009386, MONDO:0015356.

Allele frequency attached by ClinVar (database versions not stated): gnomAD exomes below 0.00001.
gnomAD v4.1: 2 of 1,612,480 alleles (0.00012%); highest among the groups gnomAD compares: Non-Finnish European, 0.00017%; no homozygotes.

Submission:

Ambry Genetics
Classification: Uncertain significance for Hereditary cancer-predisposing syndrome. Last evaluated: 2019-09-16. Review status: criteria provided, single submitter. Criteria: Ambry Variant Classification Scheme 2023. Collection method: clinical testing. Allele origin: germline.
Comment: The p.H142Y variant (also known as c.424C>T), located in coding exon 2 of the CDKN2A gene, results from a C to T substitution at nucleotide position 424. The histidine at codon 142 is replaced by tyrosine, an amino acid with similar properties. This amino acid position is poorly conserved in available vertebrate species. In addition, this alteration is predicted to be tolerated by in silico analysis. Since supporting evidence is limited at this time, the clinical significance of this alteration remains unclear.